The following is an entry in ClinVar:

NM_001367624.2(ZNF469):c.6220C>T (p.His2074Tyr)

Gene: ZNF469 (zinc finger protein 469; plus strand). Cytogenetic location: 16q24.2.
Variant type: single nucleotide variant.
Coding change: c.6220C>T on transcript NM_001367624.2 (MANE Select); coding-DNA position 6220, C replaced by T.
Protein change: p.His2074Tyr; replaces histidine 2074 with tyrosine.
Molecular consequence: missense variant.
Genome position (GRCh38, 1-based): chr16:88,433,690, C>T. VCF-style: chr16-88433690-C-T. GRCh37 (hg19) VCF-style: chr16-88500098-C-T.
Other names: short protein forms H2074Y.
Identifiers: ClinVar variation 3620888 (VCV003620888.2).

ClinVar aggregate classification (germline): Uncertain significance (1 of 4 stars; one submission).

Submission:

Labcorp Genetics (formerly Invitae), Labcorp
Classification: Uncertain significance. Last evaluated: 2024-10-25. Review status: criteria provided, single submitter. Criteria: Invitae Variant Classification Sherloc (09022015). Collection method: clinical testing. Allele origin: germline.
Comment: This sequence change replaces histidine, which is basic and polar, with tyrosine, which is neutral and polar, at codon 2046 of the ZNF469 protein (p.His2046Tyr). This variant is not present in population databases (gnomAD no frequency). This variant has not been reported in the literature in individuals affected with ZNF469-related conditions. An algorithm developed to predict the effect of missense changes on protein structure and function outputs the following: PolyPhen-2: "Benign". The tyrosine amino acid residue is found in multiple mammalian species, which suggests that this missense change does not adversely affect protein function. In summary, the available evidence is currently insufficient to determine the role of this variant in disease. Therefore, it has been classified as a Variant of Uncertain Significance.